The following is an entry in ClinVar:

NM_018946.4(NANS):c.304G>A (p.Ala102Thr)

Genes: NANS (N-acetylneuraminate synthase; plus strand), TRIM14 (tripartite motif containing 14; minus strand). Cytogenetic location: 9q22.33.
Variant type: single nucleotide variant.
Coding change: c.304G>A on transcript NM_018946.4 (MANE Select); coding-DNA position 304, G replaced by A.
Protein change: p.Ala102Thr; replaces alanine 102 with threonine.
Molecular consequence: missense variant.
Genome position (GRCh38, 1-based): chr9:98,060,953, G>A. VCF-style: chr9-98060953-G-A. GRCh37 (hg19) VCF-style: chr9-100823235-G-A.
Other names: c.304G>A (NM_018946.3); short protein forms A102T.
Identifiers: ClinVar variation 596046 (VCV000596046.9), dbSNP rs766705810, ClinGen allele CA5150236.
Genomic context (GRCh38, chr9:98,060,953, plus strand): 5'-GGGGAGCACAAACGACATCTGGAGTTCAGCCATGACCAGTACAGGGAGCTGCAGAGGTAC[G>A]CCGAGGAGGTTGGGATCTTCTTCACTGCCTCTGGCATGGATGAGGTGAGTCCTCTGCTGC-3'
Protein context (NP_061819.2, residues 92-112): HDQYRELQRY[Ala102Thr]EEVGIFFTAS

ClinVar aggregate classification (germline): Uncertain significance. Review status: criteria provided, multiple submitters, no conflicts (2 of 4 stars). 3 submissions from 3 submitters: Uncertain significance (3). Last evaluated 2025-01-01.

Conditions:
Inborn genetic diseases. Identifiers: MedGen C0950123, MeSH D030342.

Allele frequency attached by ClinVar (database versions not stated): gnomAD exomes 0.00001 and 0.00002; ExAC 0.00002; gnomAD 0.00009; TOPMed 0.00012.
gnomAD v4.1: 26 of 1,614,022 alleles (0.0016%); highest among the groups gnomAD compares: African/African-American, 0.021%; no homozygotes.

Submissions (3):

Ambry Genetics
Classification: Uncertain significance for Inborn genetic diseases. Last evaluated: 2025-01-01. Review status: criteria provided, single submitter. Criteria: Ambry Variant Classification Scheme 2023. Collection method: clinical testing. Allele origin: germline.

Labcorp Genetics (formerly Invitae), Labcorp
Classification: Uncertain significance. Last evaluated: 2023-10-13. Review status: criteria provided, single submitter. Criteria: Invitae Variant Classification Sherloc (09022015). Collection method: clinical testing. Allele origin: germline.
Comment: This sequence change replaces alanine, which is neutral and non-polar, with threonine, which is neutral and polar, at codon 102 of the NANS protein (p.Ala102Thr). This variant is present in population databases (rs766705810, gnomAD 0.02%). This variant has not been reported in the literature in individuals affected with NANS-related conditions. ClinVar contains an entry for this variant (Variation ID: 596046). An algorithm developed to predict the effect of missense changes on protein structure and function (PolyPhen-2) suggests that this variant is likely to be disruptive. In summary, the available evidence is currently insufficient to determine the role of this variant in disease. Therefore, it has been classified as a Variant of Uncertain Significance.

Eurofins Ntd Llc (ga)
Classification: Uncertain significance. Last evaluated: 2018-02-05. Review status: criteria provided, single submitter. Criteria: EGL Classification Definitions 2015. Collection method: clinical testing. Allele origin: germline. Observed: 1 variant allele, 1 homozygote.